The following is an entry in ClinVar:

ClinVar aggregate classification (germline): Uncertain significance (1 of 4 stars; one submission).

Submission:

Women's Health and Genetics/Laboratory Corporation of America, LabCorp
Classification: Uncertain significance. Last evaluated: 2025-04-25. Review status: criteria provided, single submitter. Criteria: LabCorp Variant Classification Summary - May 2015. Collection method: clinical testing. Allele origin: germline.
Comment: Variant summary: RBM20 c.1573C>G (p.Leu525Val) results in a conservative amino acid change located in the RNA-binding domain (IPR035979) of the encoded protein sequence. Four of five in-silico tools predict a damaging effect of the variant on protein function. The frequency data for this variant in gnomAD is considered unreliable, as metrics indicate poor data quality at this position. To our knowledge, no occurrence of c.1573C>G in individuals affected with Dilated Cardiomyopathy and no experimental evidence demonstrating its impact on protein function have been reported. No submitters have cited clinical-significance assessments for this variant to ClinVar. Based on the evidence outlined above, the variant was classified as uncertain significance.

NM_001134363.3(RBM20):c.1573C>G (p.Leu525Val)

Gene: RBM20 (RNA binding motif protein 20; plus strand). Cytogenetic location: 10q25.2.
Variant type: single nucleotide variant.
Coding change: c.1573C>G on transcript NM_001134363.3 (MANE Select); coding-DNA position 1573, C replaced by G.
Protein change: p.Leu525Val; replaces leucine 525 with valine.
Molecular consequence: missense variant.
Genome position (GRCh38, 1-based): chr10:110,797,553, C>G. VCF-style: chr10-110797553-C-G. GRCh37 (hg19) VCF-style: chr10-112557311-C-G.
Other names: short protein forms L525V.
Identifiers: ClinVar variation 3896632 (VCV003896632.2).